The following is an entry in ClinVar:

ClinVar aggregate classification (germline): Uncertain significance (1 of 4 stars; one submission).

Conditions:
Cardiovascular phenotype. Identifiers: MedGen CN230736.

Allele frequency attached by ClinVar (database versions not stated): TOPMed 0.00002; ExAC 0.00008; 1000 Genomes Project 0.00020; gnomAD 0.00001; gnomAD exomes 0.00003; 1000 Genomes Project 30x 0.00016.
gnomAD v4.1: 47 of 1,614,178 alleles (0.0029%); highest among the groups gnomAD compares: East Asian, 0.1%; no homozygotes.

Submission:

Ambry Genetics
Classification: Uncertain significance for Cardiovascular phenotype. Last evaluated: 2025-12-10. Review status: criteria provided, single submitter. Criteria: Ambry Variant Classification Scheme 2023. Collection method: clinical testing. Allele origin: germline.
Comment: The p.S430Y variant (also known as c.1289C>A), located in coding exon 10 of the EFEMP2 gene, results from a C to A substitution at nucleotide position 1289. The serine at codon 430 is replaced by tyrosine, an amino acid with dissimilar properties. This amino acid position is conserved. In addition, this alteration is predicted to be deleterious by in silico analysis. Since supporting evidence is limited at this time, the clinical significance of this alteration remains unclear.

NM_016938.5(EFEMP2):c.1289C>A (p.Ser430Tyr)

Genes: EFEMP2 (EGF-like fibulin extracellular matrix protein 2; minus strand), MUS81 (MUS81 structure-specific endonuclease subunit; plus strand). Cytogenetic location: 11q13.1.
Variant type: single nucleotide variant.
Coding change: c.1289C>A on transcript NM_016938.5 (MANE Select); coding-DNA position 1289, C replaced by A.
Protein change: p.Ser430Tyr; replaces serine 430 with tyrosine.
Molecular consequence: missense variant. On other transcripts: non-coding transcript variant (1).
Genome position (GRCh38, 1-based): chr11:65,866,961, G>T on the plus strand (C>A on the coding strand, the complement: EFEMP2 is on the minus strand). VCF-style: chr11-65866961-G-T. GRCh37 (hg19) VCF-style: chr11-65634432-G-T.
Other names: short protein forms S430Y.
Identifiers: ClinVar variation 2563684 (VCV002563684.4), dbSNP rs535211927, ClinGen allele CA6110347.